The following is an entry in ClinVar:

ClinVar aggregate classification (germline): Uncertain significance (1 of 4 stars; one submission).

Allele frequency attached by ClinVar (database versions not stated): gnomAD exomes below 0.00001; ExAC 0.00001.

Submission:

Labcorp Genetics (formerly Invitae), Labcorp
Classification: Uncertain significance. Last evaluated: 2024-10-15. Review status: criteria provided, single submitter. Criteria: Invitae Variant Classification Sherloc (09022015). Collection method: clinical testing. Allele origin: germline.
Comment: This sequence change replaces leucine, which is neutral and non-polar, with arginine, which is basic and polar, at codon 547 of the OTOA protein (p.Leu547Arg). This variant is present in population databases (rs776048206, gnomAD 0.0009%). This variant has not been reported in the literature in individuals affected with OTOA-related conditions. ClinVar contains an entry for this variant (Variation ID: 1368192). An algorithm developed to predict the effect of missense changes on protein structure and function (PolyPhen-2) suggests that this variant is likely to be disruptive. In summary, the available evidence is currently insufficient to determine the role of this variant in disease. Therefore, it has been classified as a Variant of Uncertain Significance.

NM_144672.4(OTOA):c.1640T>G (p.Leu547Arg)

Gene: OTOA (otoancorin). Cytogenetic location: 16p12.2.
Variant type: single nucleotide variant.
Coding change: c.1640T>G on transcript NM_144672.4 (MANE Select); coding-DNA position 1640, T replaced by G.
Protein change: p.Leu547Arg; replaces leucine 547 with arginine.
Molecular consequence: missense variant.
Genome position (GRCh38, 1-based): chr16:21,719,143, T>G. VCF-style: chr16-21719143-T-G. GRCh37 (hg19) VCF-style: chr16-21730464-T-G.
Other names: c.1403T>G, p.Leu468Arg (NM_001161683.2); c.668T>G, p.Leu223Arg (NM_170664.3); short protein forms L468R, L547R, L223R.
Identifiers: ClinVar variation 1368192 (VCV001368192.7), dbSNP rs776048206, ClinGen allele CA7952719.
Genomic context (GRCh38, chr16:21,719,143, plus strand): 5'-GGCACACGCTGAGTGTGCCATCAGTGCTAACGATCATTCTCTTCTCGCAGGCTCTGTTCC[T>G]GTATGAGCTTCTGTTAAAGACCACCAGAAGGCCTGAGGAGCTTTTGAGGTAGGAAAATGT-3'
Protein context (NP_653273.3, residues 537-557): KELGRSQALF[Leu547Arg]YELLLKTTRR